The following is an entry in ClinVar:

ClinVar aggregate classification (germline): Likely pathogenic (1 of 4 stars; one submission).

Submission:

Labcorp Genetics (formerly Invitae), Labcorp
Classification: Likely pathogenic. Last evaluated: 2022-12-20. Review status: criteria provided, single submitter. Criteria: Invitae Variant Classification Sherloc (09022015). Collection method: clinical testing. Allele origin: unknown.
Comment: In summary, the currently available evidence indicates that the variant is pathogenic, but additional data are needed to prove that conclusively. Therefore, this variant has been classified as Likely Pathogenic. This variant has not been reported in the literature in individuals affected with TBCD-related conditions. This variant results in a copy number gain of the genomic region encompassing exon(s) 2-3 of the TBCD gene. While the exact position of this variant cannot be determined from the data, sub-genic copy number gains are generally in tandem (PMID: 25640679). This variant is predicted to be out-of-frame, and may result in an absent or disrupted protein product. Loss-of-function variants in TBCD are known to be pathogenic (PMID: 27666370, 27666374).

Literature cited by the submitters: PubMed 25640679; PubMed 27666370; PubMed 27666374.

NC_000017.10:g.(?_80714021)_(80721958_?)dup

Gene: TBCD (tubulin folding cofactor D). Cytogenetic location: 17q25.3.
Variant type: Duplication.
Identifiers: ClinVar variation 3243173 (VCV003243173.1).